The following is an entry in ClinVar:

NM_033109.5(PNPT1):c.2043del (p.Tyr682fs)

Gene: PNPT1 (polyribonucleotide nucleotidyltransferase 1; minus strand). Cytogenetic location: 2p16.1.
Variant type: Deletion.
Coding change: c.2043del on transcript NM_033109.5 (MANE Select); coding-DNA position 2043, one base deleted (A; older notation c.2043delA).
Protein change: p.Tyr682fs; shifts the reading frame from tyrosine 682.
Molecular consequence: frameshift variant.
Genome position (GRCh38, 1-based): chr2:55,643,184, T deleted on the plus strand (A on the coding strand, the reverse complement: PNPT1 is on the minus strand). VCF-style (leftmost placement, unchanged base first): chr2-55643183-AT-A. GRCh37 (hg19) VCF-style: chr2-55870318-AT-A.
Other names: short protein forms Y682fs.
Identifiers: ClinVar variation 4277372 (VCV004277372.1).
Genomic context (GRCh38, chr2:55,643,183, plus strand): 5'-GAAAATGCTCAGCATAGTATATTACTTGATATTACCTGATTTCAGTTATTGTGGCGGTAT[AT>A]ACTGCTCCAAATTCTAATTGCTGCTCCTGCTGTAAGTGCAAAATAAGCCATAAGATTCAT-3'

ClinVar aggregate classification (germline): Likely pathogenic (1 of 4 stars; one submission).

Conditions:
Spinocerebellar ataxia type 25. Identifiers: Orphanet 101111, MedGen C1837518, MONDO:0012103, OMIM 608703.

Submission:

Undiagnosed Diseases Network, NIH
Classification: Likely pathogenic for Spinocerebellar ataxia type 25. Last evaluated: 2025-06-04. Review status: criteria provided, single submitter. Criteria: ACMG Guidelines, 2015. Collection method: clinical testing. Allele origin: maternal. Affected: yes. Observed: 1 variant allele, 1 heterozygote. Study: Undiagnosed Diseases Network (NIH), UDN.
Comment: The c.2043del (p.Y682Ifs*5) variant in the PNPT1 gene has not been described in ClinVar. This variant has not been observed in gnomAD. This frameshift variant is located in exon 25 of 28 and variant is predicted to cause nonsense-mediated decay (NMD) in a gene where loss-of-function is a proposed mechanism of disease (PMID: 35411967). Multiple downstream truncating or splicing variants have been reported in individuals associated with PNPT1 related ataxia (PMID: 35411967) or described as disease causing in ClinVar (ID: 1695428, 1695429).